The following is an entry in ClinVar:

ClinVar aggregate classification (germline): Likely pathogenic (1 of 4 stars; one submission).

Conditions:
Retinitis pigmentosa 25 (RP25). Identifiers: Orphanet 791, MedGen C1864446, MONDO:0011272, OMIM 602772.

Submission:

Natera, Inc.
Classification: Likely pathogenic for Retinitis pigmentosa type 25. Last evaluated: 2025-03-17. Review status: criteria provided, single submitter. Criteria: Natera Variant Classification Schema (03/2026). Collection method: clinical testing. Allele origin: germline.
Comment: The c.7291del variant in EYS is a frameshift variant predicted to shift the reading frame beginning at codon 2431 and leads to a stop codon 16 codons downstream. This variant is expected to result in nonsense mediated decay, truncation, or a dysfunctional protein product. This variant is rare in the general population with a frequency below the threshold expected for the associated phenotype(s). Given the available evidence, this variant is classified as Likely Pathogenic.

NM_001142800.2(EYS):c.7291del (p.Ala2431fs)

Gene: EYS (EGF-like photoreceptor maintenance factor; minus strand). Cytogenetic location: 6q12.
Variant type: Deletion.
Coding change: c.7291del on transcript NM_001142800.2 (MANE Select); coding-DNA position 7291, one base deleted (G; older notation c.7291delG).
Protein change: p.Ala2431fs; shifts the reading frame from alanine 2431.
Molecular consequence: frameshift variant.
Genome position (GRCh38, 1-based): chr6:63,806,310, C deleted on the plus strand (G on the coding strand, the reverse complement: EYS is on the minus strand); the first of 2 consecutive C bases (chr6:63,806,310-63,806,311); deleting either gives the same sequence. VCF-style (leftmost placement, unchanged base first): chr6-63806309-GC-G. GRCh37 (hg19) VCF-style: chr6-64516202-GC-G.
Other names: c.7291del, p.Ala2431fs (NM_001292009.2); short protein forms A2431fs.
Identifiers: ClinVar variation 4067681 (VCV004067681.2).
Genomic context (GRCh38, chr6:63,806,309, plus strand): 5'-GCCAGCTGAAACTTCAGGTGGAATTCATAATGGAAGCTGATGTCTGAGATCCGTGAATAA[GC>G]CAGGAATGAGGTGTATCCAAAGGCATCTGTGCCACTGAACCTTGGCTGAGTAATATTAAT-3'